The following is an entry in ClinVar:

ClinVar aggregate classification (germline): Uncertain significance. Review status: criteria provided, multiple submitters, no conflicts (2 of 4 stars). 4 submissions from 4 submitters: Uncertain significance (4). Last evaluated 2025-09-04.

Conditions:
Hereditary cancer-predisposing syndrome. Also called: Neoplastic Syndromes, Hereditary; Tumor predisposition; Hereditary Cancer Syndrome; Hereditary neoplastic syndrome. Identifiers: Orphanet 140162, MedGen C0027672, MeSH D009386, MONDO:0015356.
Familial adenomatous polyposis 1 (FAP1). Also called: FAMILIAL ADENOMATOUS POLYPOSIS 1, ATTENUATED; POLYPOSIS, ADENOMATOUS INTESTINAL. Identifiers: MedGen C2713442, MONDO:0021056, OMIM 175100. Disease mechanism: loss of function.

Allele frequency attached by ClinVar (database versions not stated): gnomAD exomes below 0.00001.
gnomAD v4.1: 2 of 1,614,030 alleles (0.00012%); highest among the groups gnomAD compares: Non-Finnish European, 0.00017%; no homozygotes.

Submissions (4):

Labcorp Genetics (formerly Invitae), Labcorp
Classification: Uncertain significance for Familial adenomatous polyposis 1. Last evaluated: 2025-09-04. Review status: criteria provided, single submitter. Criteria: Invitae Variant Classification Sherloc (09022015). Collection method: clinical testing. Allele origin: germline.
Comment: This sequence change replaces glycine, which is neutral and non-polar, with valine, which is neutral and non-polar, at codon 2273 of the APC protein (p.Gly2273Val). This variant is present in population databases (rs587781364, gnomAD 0.0009%). This missense change has been observed in individual(s) with breast cancer (PMID: 25186627). ClinVar contains an entry for this variant (Variation ID: 140909). Invitae Evidence Modeling of protein sequence and biophysical properties (such as structural, functional, and spatial information, amino acid conservation, physicochemical variation, residue mobility, and thermodynamic stability) indicates that this missense variant is not expected to disrupt APC protein function with a negative predictive value of 95%. In summary, the available evidence is currently insufficient to determine the role of this variant in disease. Therefore, it has been classified as a Variant of Uncertain Significance.

Women's Health and Genetics/Laboratory Corporation of America, LabCorp
Classification: Uncertain significance. Last evaluated: 2025-07-07. Review status: criteria provided, single submitter. Criteria: LabCorp Variant Classification Summary - May 2015. Collection method: clinical testing. Allele origin: germline.
Comment: Variant summary: APC c.6818G>T (p.Gly2273Val) results in a non-conservative amino acid change in the encoded protein sequence. Algorithms developed to predict the effect of missense changes on protein structure and function are either unavailable or do not agree on the potential impact of this missense change. The variant allele was found at a frequency of 4e-06 in 250998 control chromosomes. The available data on variant occurrences in the general population are insufficient to allow any conclusion about variant significance. c.6818G>T has been observed in at least one individual affected with breast cancer who also carried variants in MUTYH (Tung_2015). These report(s) do not provide unequivocal conclusions about association of the variant with Colorectal Cancer Risk. To our knowledge, no experimental evidence demonstrating an impact on protein function has been reported. The following publication have been ascertained in the context of this evaluation (PMID: 25186627). ClinVar contains an entry for this variant (Variation ID: 140909). Based on the evidence outlined above, the variant was classified as uncertain significance.

Ambry Genetics
Classification: Uncertain significance for Hereditary cancer-predisposing syndrome. Last evaluated: 2024-05-26. Review status: criteria provided, single submitter. Criteria: Ambry Variant Classification Scheme 2023. Collection method: clinical testing. Allele origin: germline.
Comment: The p.G2273V variant (also known as c.6818G>T), located in coding exon 15 of the APC gene, results from a G to T substitution at nucleotide position 6818. The glycine at codon 2273 is replaced by valine, an amino acid with dissimilar properties. This amino acid position is well conserved in available vertebrate species. In addition, in silico predictors for this gene do not accurately predict pathogenicity. Since supporting evidence is limited at this time, the clinical significance of this alteration remains unclear.

Color Diagnostics, LLC DBA Color Health
Classification: Uncertain significance for Hereditary cancer-predisposing syndrome. Last evaluated: 2021-10-28. Review status: criteria provided, single submitter. Criteria: ACMG Guidelines, 2015. Collection method: clinical testing. Allele origin: germline.
Comment: This missense variant replaces glycine with valine at codon 2273 of the APC protein. Computational prediction suggests that this variant may not impact protein structure and function (internally defined REVEL score threshold <= 0.5, PMID: 27666373). To our knowledge, functional studies have not been reported for this variant. This variant has not been reported in individuals affected with hereditary cancer in the literature. This variant has been identified in 1/250998 chromosomes in the general population by the Genome Aggregation Database (gnomAD). The available evidence is insufficient to determine the role of this variant in disease conclusively. Therefore, this variant is classified as a Variant of Uncertain Significance.

Literature cited by the submitters: PubMed 25186627 (cited by 3 submitters).

NM_000038.6(APC):c.6818G>T (p.Gly2273Val)

Gene: APC (APC regulator of Wnt signaling pathway; plus strand). Cytogenetic location: 5q22.2.
Variant type: single nucleotide variant.
Coding change: c.6818G>T on transcript NM_000038.6 (MANE Select); coding-DNA position 6818, G replaced by T.
Protein change: p.Gly2273Val; replaces glycine 2273 with valine.
Molecular consequence: missense variant.
Genome position (GRCh38, 1-based): chr5:112,842,412, G>T. VCF-style: chr5-112842412-G-T. GRCh37 (hg19) VCF-style: chr5-112178109-G-T.
Other names: c.6818G>T, p.Gly2273Val (NM_001127510.3, NM_001354895.2); c.6764G>T, p.Gly2255Val (NM_001127511.3); c.6872G>T, p.Gly2291Val (NM_001354896.2); c.6848G>T, p.Gly2283Val (NM_001354897.2); c.6743G>T, p.Gly2248Val (NM_001354898.2); c.6734G>T, p.Gly2245Val (NM_001354899.2); c.6695G>T, p.Gly2232Val (NM_001354900.2); c.6641G>T, p.Gly2214Val (NM_001354901.2); and 5 more; short protein forms G2255V, G2273V, G1990V, G2113V, G2147V, G2214V, G2232V, G2291V.
Identifiers: ClinVar variation 140909 (VCV000140909.20), dbSNP rs587781364, ClinGen allele CA012540.
Genomic context (GRCh38, chr5:112,842,412, plus strand): 5'-TTAAGACTCCAGCCTCCAAAAGCCCTAGTGAAGGTCAAACAGCCACCACTTCTCCTAGAG[G>T]AGCCAAGCCATCTGTGAAATCAGAATTAAGCCCTGTTGCCAGGCAGACATCCCAAATAGG-3'
Protein context (NP_000029.2, residues 2263-2283): EGQTATTSPR[Gly2273Val]AKPSVKSELS